The following is an entry in ClinVar:

ClinVar aggregate classification (germline): Uncertain significance. Review status: criteria provided, multiple submitters, no conflicts (2 of 4 stars). 7 submissions from 7 submitters: Uncertain significance (6). 1 of the submissions does not count toward it. Last evaluated 2025-10-25.

Conditions:
Familial thoracic aortic aneurysm and aortic dissection (TAAD). Also called: Thoracic aortic aneurysms and dissections. Identifiers: Orphanet 91387, MedGen C4707243, MONDO:0019625.
FBN1-related disorder. Also called: FBN1-related disorders.
Weill-Marchesani syndrome 2, dominant. Also called: FBN1-Related Weill-Marchesani Syndrome; Weill-Marchesani Syndrome, Autosomal Dominant. Identifiers: Orphanet 2084, MedGen C1869115, MONDO:0012013, OMIM 608328.
Progeroid and marfanoid aspect-lipodystrophy syndrome. Also called: MARFANOID-PROGEROID SYNDROME; MARFAN-PROGEROID-LIPODYSTROPHY SYNDROME; Marfan lipodystrophy syndrome; MARFANOID-PROGEROID-LIPODYSTROPHY SYNDROME. Identifiers: Orphanet 300382, MedGen C4310796, MONDO:0014831, OMIM 616914.
Acromicric dysplasia (ACMICD). Also called: Acromicric skeletal dysplasia. Identifiers: Orphanet 969, MedGen C0265287, MONDO:0007055, OMIM 102370.
Ectopia lentis 1, isolated, autosomal dominant (ECTOL1). Identifiers: Orphanet 1885, MedGen C3541518, MONDO:0007514, OMIM 129600.
Geleophysic dysplasia 2 (GPHYSD2). Identifiers: Orphanet 2623, MedGen C3280054, MONDO:0013612, OMIM 614185.
Marfan syndrome (MFS). Also called: Marfan syndrome, classic; Marfan syndrome type 1; Marfan's syndrome; FBN1-Related Marfan Syndrome; MARFAN SYNDROME, TYPE I. Identifiers: Orphanet 284963, Orphanet 558, MedGen C0024796, MONDO:0007947, OMIM 154700.
MASS syndrome (OCTD). Also called: OVERLAP CONNECTIVE TISSUE DISEASE; MASS PHENOTYPE. Identifiers: MedGen C1858556, MONDO:0011431, OMIM 604308.
Stiff skin syndrome (SSKS). Identifiers: Orphanet 2833, MedGen C1861456, MONDO:0008492, OMIM 184900.

Allele frequency attached by ClinVar (database versions not stated): gnomAD exomes 0.00001 and 0.00002; TOPMed 0.00012; ExAC 0.00002; gnomAD 0.00007.
gnomAD v4.1: 19 of 1,613,996 alleles (0.0012%); highest among the groups gnomAD compares: African/African-American, 0.023%; no homozygotes.

Submissions (7):

Labcorp Genetics (formerly Invitae), Labcorp
Classification: Uncertain significance for Marfan syndrome; Familial thoracic aortic aneurysm and aortic dissection. Last evaluated: 2025-10-25. Review status: criteria provided, single submitter. Criteria: Invitae Variant Classification Sherloc (09022015). Collection method: clinical testing. Allele origin: germline.
Comment: This sequence change falls in intron 37 of the FBN1 gene. It does not directly change the encoded amino acid sequence of the FBN1 protein. It affects a nucleotide within the consensus splice site. This variant is present in population databases (rs777845323, gnomAD 0.03%). This variant has not been reported in the literature in individuals affected with FBN1-related conditions. ClinVar contains an entry for this variant (Variation ID: 918780). Variants that disrupt the consensus splice site are a relatively common cause of aberrant splicing (PMID: 17576681, 9536098). Algorithms developed to predict the effect of sequence changes on RNA splicing suggest that this variant is not likely to affect RNA splicing. In summary, the available evidence is currently insufficient to determine the role of this variant in disease. Therefore, it has been classified as a Variant of Uncertain Significance.

Color Diagnostics, LLC DBA Color Health
Classification: Uncertain significance for Familial thoracic aortic aneurysm and aortic dissection. Last evaluated: 2025-07-02. Review status: criteria provided, single submitter. Criteria: ACMG Guidelines, 2015. Collection method: clinical testing. Allele origin: germline.
Comment: This variant causes an A to G nucleotide substitution at the +3 position of intron 37 of the FBN1 gene. To our knowledge, functional studies have not been reported for this variant. This variant has not been reported in individuals affected with FBN1-related disorders in the literature. This variant has been identified in 8/282456 chromosomes in the general population by the Genome Aggregation Database (gnomAD). The available evidence is insufficient to determine the role of this variant in disease conclusively. Therefore, this variant is classified as a Variant of Uncertain Significance.

All of Us Research Program, National Institutes of Health
Classification: Uncertain significance for Marfan syndrome. Last evaluated: 2024-02-05. Review status: criteria provided, single submitter. Criteria: ACMG Guidelines, 2015. Collection method: clinical testing. Allele origin: germline. Inheritance: Autosomal dominant inheritance. Observed: 4 variant alleles, 4 heterozygotes.
Comment: This variant causes an A to G nucleotide substitution at the +3 position of intron 37 of the FBN1 gene. To our knowledge, functional studies have not been reported for this variant. This variant has not been reported in individuals affected with FBN1-related disorders in the literature. This variant has been identified in 8/282456 chromosomes in the general population by the Genome Aggregation Database (gnomAD). The available evidence is insufficient to determine the role of this variant in disease conclusively. Therefore, this variant is classified as a Variant of Uncertain Significance.

This study involves interpretation of variants in research participants for the purpose of population health screening. Participant phenotype was not available at the time of variant classification. Additional details can be found in publication PMID: 35346344, PMCID: PMC8962531

Ambry Genetics
Classification: Uncertain significance for Familial thoracic aortic aneurysm and aortic dissection. Last evaluated: 2023-08-02. Review status: criteria provided, single submitter. Criteria: Ambry Variant Classification Scheme 2023. Collection method: clinical testing. Allele origin: germline.
Comment: The c.4582+3A>G intronic variant results from an A to G substitution 3 nucleotides after coding exon 36 in the FBN1 gene. This nucleotide position is well conserved in available vertebrate species. In silico splice site analysis predicts that this alteration will not have any significant effect on splicing. Since supporting evidence is limited at this time, the clinical significance of this alteration remains unclear.

Fulgent Genetics
Classification: Uncertain significance for Acromicric dysplasia; Ectopia lentis 1, isolated, autosomal dominant; Marfan syndrome; Stiff skin syndrome; MASS syndrome; Weill-Marchesani syndrome 2, dominant; Geleophysic dysplasia 2; Progeroid and marfanoid aspect-lipodystrophy syndrome. Last evaluated: 2021-09-08. Review status: criteria provided, single submitter. Criteria: ACMG Guidelines, 2015. Collection method: clinical testing. Allele origin: unknown.

Laboratorio de Genetica e Diagnostico Molecular, Hospital Israelita Albert Einstein
Classification: Uncertain significance. Last evaluated: 2021-08-24. Review status: criteria provided, single submitter. Criteria: ACMG Guidelines, 2015. Collection method: clinical testing. Allele origin: germline. Affected: yes.
Comment: ACMG classification criteria: BS1

PreventionGenetics, part of Exact Sciences
Classification: Likely benign for FBN1-related condition. Last evaluated: 2023-11-05. Review status: no assertion criteria provided. Collection method: clinical testing. Allele origin: germline. Not counted in ClinVar's aggregate classification.
Comment: This variant is classified as likely benign based on ACMG/AMP sequence variant interpretation guidelines (Richards et al. 2015 PMID: 25741868, with internal and published modifications).

Literature cited by the submitters: PubMed 17576681 (cited by Labcorp Genetics (formerly Invitae), Labcorp); PubMed 9536098 (cited by Labcorp Genetics (formerly Invitae), Labcorp).

NM_000138.5(FBN1):c.4582+3A>G

Gene: FBN1 (fibrillin 1; minus strand). Cytogenetic location: 15q21.1.
Variant type: single nucleotide variant.
Coding change: c.4582+3A>G on transcript NM_000138.5 (MANE Select); 3 bases into the intron after coding-DNA position 4582, A replaced by G.
Molecular consequence: intron variant.
Genome position (GRCh38, 1-based): chr15:48,468,409, T>C on the plus strand (A>G on the coding strand, the complement: FBN1 is on the minus strand). VCF-style: chr15-48468409-T-C. GRCh37 (hg19) VCF-style: chr15-48760606-T-C.
Identifiers: ClinVar variation 918780 (VCV000918780.19), dbSNP rs777845323, ClinGen allele CA053321.